The following is an entry in ClinVar:

ClinVar aggregate classification (germline): Uncertain significance. Review status: criteria provided, multiple submitters, no conflicts (2 of 4 stars). 2 submissions from 2 submitters: Uncertain significance (2). Last evaluated 2023-11-22.

Conditions:
Hereditary cancer-predisposing syndrome. Also called: Tumor predisposition; Neoplastic Syndromes, Hereditary; Hereditary neoplastic syndrome; Hereditary Cancer Syndrome. Identifiers: Orphanet 140162, MedGen C0027672, MeSH D009386, MONDO:0015356.
Cardiovascular phenotype. Identifiers: MedGen CN230736.

Submissions (2):

Ambry Genetics
Classification: Uncertain significance for Cardiovascular phenotype; Hereditary cancer-predisposing syndrome. Last evaluated: 2023-11-22. Review status: criteria provided, single submitter. Criteria: Ambry Variant Classification Scheme 2023. Collection method: clinical testing. Allele origin: germline.
Comment: The p.P1691T variant (also known as c.5071C>A), located in coding exon 36 of the NF1 gene, results from a C to A substitution at nucleotide position 5071. The proline at codon 1691 is replaced by threonine, an amino acid with highly similar properties. This amino acid position is highly conserved in available vertebrate species. In addition, the in silico prediction for this alteration is inconclusive. Since supporting evidence is limited at this time, the clinical significance of this alteration remains unclear.

Women's Health and Genetics/Laboratory Corporation of America, LabCorp
Classification: Uncertain significance. Last evaluated: 2018-02-23. Review status: criteria provided, single submitter. Criteria: LabCorp Variant Classification Summary - May 2015. Collection method: clinical testing. Allele origin: germline.
Comment: Variant summary: NF1 c.5071C>A (p.Pro1691Thr) results in a non-conservative amino acid change located in the CRAL-TRIO lipid binding domain superfamily (IPR036865) of the encoded protein sequence. Three of five in-silico tools predict a benign effect of the variant on protein function. The variant was absent in 121178 control chromosomes (ExAC). The available data on variant occurrences in the general population are insufficient to allow any conclusion about variant significance. To our knowledge, no occurrence of c.5071C>A in individuals affected with Neurofibromatosis Type 1 and no experimental evidence demonstrating its impact on protein function have been reported. No clinical diagnostic laboratories have submitted clinical-significance assessments for this variant to ClinVar after 2014. Based on the evidence outlined above, the variant was classified as uncertain significance.

NM_001042492.3(NF1):c.5134C>A (p.Pro1712Thr)

Gene: NF1 (neurofibromin 1; plus strand). Cytogenetic location: 17q11.2.
Variant type: single nucleotide variant.
Coding change: c.5134C>A on transcript NM_001042492.3 (MANE Select); coding-DNA position 5134, C replaced by A.
Protein change: p.Pro1712Thr; replaces proline 1712 with threonine.
Molecular consequence: missense variant.
Genome position (GRCh38, 1-based): chr17:31,326,118, C>A. VCF-style: chr17-31326118-C-A. GRCh37 (hg19) VCF-style: chr17-29653136-C-A.
Other names: c.5071C>A, p.Pro1691Thr (NM_000267.4); short protein forms P1691T, P1712T.
Identifiers: ClinVar variation 633336 (VCV000633336.5), dbSNP rs1567611556, ClinGen allele CA399007771.